The following is an entry in ClinVar:

ClinVar aggregate classification (germline): Uncertain significance (1 of 4 stars; one submission).

Conditions:
Hereditary insensitivity to pain with anhidrosis (CIPA). Also called: NTRK1 Congenital Insensitivity to Pain with Anhidrosis; hereditary sensory and autonomic neuropathy type 4; FAMILIAL DYSAUTONOMIA, TYPE II; INSENSITIVITY TO PAIN, CONGENITAL, WITH ANHIDROSIS; NEUROPATHY, CONGENITAL SENSORY, WITH ANHIDROSIS; HSAN Type IV. Identifiers: Orphanet 642, MedGen C0020074, MONDO:0009746, OMIM 256800.

Submission:

Labcorp Genetics (formerly Invitae), Labcorp
Classification: Uncertain significance for Hereditary insensitivity to pain with anhidrosis. Last evaluated: 2021-05-18. Review status: criteria provided, single submitter. Criteria: Invitae Variant Classification Sherloc (09022015). Collection method: clinical testing. Allele origin: germline.
Comment: In summary, the available evidence is currently insufficient to determine the role of this variant in disease. Therefore, it has been classified as a Variant of Uncertain Significance. Nucleotide substitutions within the consensus splice site are a relatively common cause of aberrant splicing (PMID: 17576681, 9536098). Algorithms developed to predict the effect of sequence changes on RNA splicing suggest that this variant may disrupt the consensus splice site, but this prediction has not been confirmed by published transcriptional studies. Algorithms developed to predict the effect of missense changes on protein structure and function (SIFT, PolyPhen-2, Align-GVGD) all suggest that this variant is likely to be tolerated, but these predictions have not been confirmed by published functional studies and their clinical significance is uncertain. This variant has not been reported in the literature in individuals with NTRK1-related conditions. This variant is not present in population databases (ExAC no frequency). This sequence change replaces methionine with isoleucine at codon 239 of the NTRK1 protein (p.Met239Ile). The methionine residue is weakly conserved and there is a small physicochemical difference between methionine and isoleucine. This variant also falls at the last nucleotide of exon 6, which is part of the consensus splice site for this exon.

Literature cited by the submitters: PubMed 17576681; PubMed 9536098.

NM_002529.4(NTRK1):c.717G>A (p.Met239Ile)

Gene: NTRK1 (neurotrophic receptor tyrosine kinase 1; plus strand). Cytogenetic location: 1q23.1.
Variant type: single nucleotide variant.
Coding change: c.717G>A on transcript NM_002529.4 (MANE Select); coding-DNA position 717, G replaced by A.
Protein change: p.Met239Ile; replaces methionine 239 with isoleucine.
Molecular consequence: missense variant.
Genome position (GRCh38, 1-based): chr1:156,868,647, G>A. VCF-style: chr1-156868647-G-A. GRCh37 (hg19) VCF-style: chr1-156838439-G-A.
Other names: c.627G>A, p.Met209Ile (NM_001007792.1); c.717G>A, p.Met239Ile (NM_001012331.2); short protein forms M209I, M239I.
Identifiers: ClinVar variation 1465253 (VCV001465253.8), dbSNP rs2102894764, ClinGen allele CA342934966.